The following is an entry in ClinVar:

NM_000263.4(NAGLU):c.2209C>A (p.Arg737Ser)

Gene: NAGLU (N-acetyl-alpha-glucosaminidase; plus strand). Cytogenetic location: 17q21.2.
Variant type: single nucleotide variant.
Coding change: c.2209C>A on transcript NM_000263.4 (MANE Select); coding-DNA position 2209, C replaced by A.
Protein change: p.Arg737Ser; replaces arginine 737 with serine.
Molecular consequence: missense variant.
Genome position (GRCh38, 1-based): chr17:42,544,215, C>A. VCF-style: chr17-42544215-C-A. GRCh37 (hg19) VCF-style: chr17-40696233-C-A.
Other names: short protein forms R737S.
Identifiers: ClinVar variation 92692 (VCV000092692.62), dbSNP rs86312, ClinGen allele CA145927.

ClinVar aggregate classification (germline): Benign. Review status: criteria provided, multiple submitters, no conflicts (2 of 4 stars). 10 submissions from 10 submitters: Benign (6). 4 of the submissions do not count toward it. Last evaluated 2026-02-04.

Conditions:
Charcot-Marie-Tooth disease axonal type 2V. Also called: CHARCOT-MARIE-TOOTH NEUROPATHY, TYPE 2V; CHARCOT-MARIE-TOOTH DISEASE, AXONAL, AUTOSOMAL DOMINANT, TYPE 2V. Identifiers: Orphanet 447964, MedGen C5569050, MONDO:0014665, OMIM 616491.
Mucopolysaccharidosis, MPS-III-B (MPS3B). Also called: Mucopolysaccharidosis type IIIB (Sanfilippo B); N-ACETYL-ALPHA-D-GLUCOSAMINIDASE DEFICIENCY; NAGLU DEFICIENCY; MUCOPOLYSACCHARIDOSIS, TYPE IIIB; MPS IIIB (Sanfilippo Syndrome Type B); SANFILIPPO SYNDROME B. Identifiers: Orphanet 79270, MedGen C0086648, MONDO:0009656, OMIM 252920.

Allele frequency attached by ClinVar (database versions not stated): 1000 Genomes Project 30x 0.01077; 1000 Genomes Project 0.01158.

Submissions (18):

Labcorp Genetics (formerly Invitae), Labcorp
Classification: Benign for Charcot-Marie-Tooth disease axonal type 2V; Mucopolysaccharidosis, MPS-III-B. Last evaluated: 2026-02-04. Review status: criteria provided, single submitter. Criteria: Invitae Variant Classification Sherloc (09022015). Collection method: clinical testing. Allele origin: germline.

CeGaT Center for Human Genetics Tuebingen
Classification: Benign. Last evaluated: 2023-02-01. Review status: criteria provided, single submitter. Criteria: CeGaT Center For Human Genetics Tuebingen Variant Classification Criteria Version 2. Collection method: clinical testing. Allele origin: germline. Affected: yes. Observed: 7 variant alleles.
Comment: NAGLU: BS1, BS2

GeneDx
Classification: Benign. Last evaluated: 2019-01-23. Review status: criteria provided, single submitter. Criteria: GeneDx Variant Classification Process June 2021. Collection method: clinical testing. Allele origin: germline. Affected: yes.

Illumina Laboratory Services, Illumina
Classification: Benign for Mucopolysaccharidosis, MPS-III-B. Last evaluated: 2018-01-13. Review status: criteria provided, single submitter. Criteria: ICSL Variant Classification Criteria 13 December 2019. Collection method: clinical testing. Allele origin: germline.
Comment: This variant was observed in the ICSL laboratory as part of a predisposition screen in an ostensibly healthy population. It had not been previously curated by ICSL or reported in the Human Gene Mutation Database (HGMD: prior to June 1st, 2018), and was therefore a candidate for classification through an automated scoring system. Utilizing variant allele frequency, disease prevalence and penetrance estimates, and inheritance mode, an automated score was calculated to assess if this variant is too frequent to cause the disease. Based on the score and internal cut-off values, a variant classified as benign is not then subjected to further curation. The score for this variant resulted in a classification of benign for this disease.

Eurofins Ntd Llc (ga)
Classification: Benign. Last evaluated: 2013-01-23. Review status: criteria provided, single submitter. Criteria: EGL Classification Definitions 2015. Collection method: clinical testing. Allele origin: germline. Observed: 5 variant alleles, 2 heterozygotes, 3 homozygotes.

Breakthrough Genomics
Classification: Benign. Review status: criteria provided, single submitter. Criteria: ACMG Guidelines, 2015. Collection method: not provided. Allele origin: germline. Inheritance: Autosomal recessive inheritance. Affected: yes.

Natera, Inc.
Classification: Benign for Mucopolysaccharidosis type IIIB. Last evaluated: 2019-11-08. Review status: no assertion criteria provided. Collection method: clinical testing. Allele origin: germline. Not counted in ClinVar's aggregate classification.

Mayo Clinic Laboratories, Mayo Clinic
Classification: Benign. Last evaluated: 2017-04-21. Review status: no assertion criteria provided. Collection method: clinical testing. Allele origin: unknown. Not counted in ClinVar's aggregate classification.

Diagnostic Laboratory, Department of Genetics, University Medical Center Groningen
Classification: Benign for Mucopolysaccharidosis, MPS-III-B. Review status: no assertion criteria provided. Collection method: clinical testing. Allele origin: germline. Affected: yes. Study: VKGL Data-share Consensus. Not counted in ClinVar's aggregate classification.

Dr. Peter K. Rogan Lab, Western University
No classification provided (evidence only). Condition: Lung cancer. Review status: no classification provided. Collection method: in vitro. Allele origin: not applicable. Functional consequence: retained intron. Not counted in ClinVar's aggregate classification.

Dr. Peter K. Rogan Lab, Western University
No classification provided (evidence only). Condition: Familial cancer of breast. Review status: no classification provided. Collection method: in vitro. Allele origin: not applicable. Functional consequence: retained intron. Not counted in ClinVar's aggregate classification.

Dr. Peter K. Rogan Lab, Western University
No classification provided (evidence only). Condition: Cervical cancer. Review status: no classification provided. Collection method: in vitro. Allele origin: not applicable. Functional consequence: retained intron. Not counted in ClinVar's aggregate classification.

Dr. Peter K. Rogan Lab, Western University
No classification provided (evidence only). Condition: Sarcoma. Review status: no classification provided. Collection method: in vitro. Allele origin: not applicable. Functional consequence: retained intron. Not counted in ClinVar's aggregate classification.

Dr. Peter K. Rogan Lab, Western University
No classification provided (evidence only). Condition: Nonpapillary renal cell carcinoma. Review status: no classification provided. Collection method: in vitro. Allele origin: not applicable. Functional consequence: retained intron. Not counted in ClinVar's aggregate classification.

Dr. Peter K. Rogan Lab, Western University
No classification provided (evidence only). Condition: Thymoma. Review status: no classification provided. Collection method: in vitro. Allele origin: not applicable. Functional consequence: retained intron. Not counted in ClinVar's aggregate classification.

Dr. Peter K. Rogan Lab, Western University
No classification provided (evidence only). Condition: Gastric cancer. Review status: no classification provided. Collection method: in vitro. Allele origin: not applicable. Functional consequence: retained intron. Not counted in ClinVar's aggregate classification.

Dr. Peter K. Rogan Lab, Western University
No classification provided (evidence only). Condition: Gastric cancer. Review status: no classification provided. Collection method: in vitro. Allele origin: not applicable. Functional consequence: retained intron. Not counted in ClinVar's aggregate classification.

Laboratory of Diagnostic Genome Analysis, Leiden University Medical Center (LUMC)
Classification: Likely benign. Review status: no assertion criteria provided. Collection method: clinical testing. Allele origin: germline. Affected: yes. Study: VKGL Data-share Consensus. Not counted in ClinVar's aggregate classification.